The following is an entry in ClinVar:

NM_000143.4(FH):c.216C>A (p.Thr72=)

Gene: FH (fumarate hydratase; minus strand). Cytogenetic location: 1q43.
Variant type: single nucleotide variant.
Coding change: c.216C>A on transcript NM_000143.4 (MANE Select); coding-DNA position 216, C replaced by A.
Protein change: p.Thr72=; no amino-acid change (threonine 72 retained).
Molecular consequence: synonymous variant.
Genome position (GRCh38, 1-based): chr1:241,517,233, G>T on the plus strand (C>A on the coding strand, the complement: FH is on the minus strand). VCF-style: chr1-241517233-G-T. GRCh37 (hg19) VCF-style: chr1-241680533-G-T.
Identifiers: ClinVar variation 3773262 (VCV003773262.1).
Genomic context (GRCh38, chr1:241,517,233, plus strand): 5'-GCCACTTACTGGCATGCGTTCTGTCACACCTCCAATCTTAAAGTTCATCGTAGATCTCAC[G>T]GTCTGGGCGCCATAATACTTATCATTTGGCACCTTTAGTTCACCAAAGGTATCATATTCT-3'
Protein context (NP_000134.2, residues 62-82): VPNDKYYGAQ[Thr72=]VRSTMNFKIG

ClinVar aggregate classification (germline): Benign (1 of 4 stars; one submission).

Conditions:
Hereditary leiomyomatosis and renal cell cancer. Also called: MULTIPLE CUTANEOUS AND UTERINE LEIOMYOMATA 1, WITH OR WITHOUT RENAL CELL CARCINOMA; LEIOMYOMA, MULTIPLE CUTANEOUS; FH tumor predisposition syndrome; Reed syndrome; Multiple cutaneous and uterine leiomyomatosis; Cutaneous leiomyomata with uterine leiomyomata. Identifiers: Orphanet 523, MedGen C1708350, MONDO:0007888, OMIM 150800, HP:0007437. Disease mechanism: loss of function.

Submission:

Myriad Genetics, Inc.
Classification: Benign for Hereditary leiomyomatosis and renal cell cancer. Last evaluated: 2024-10-17. Review status: criteria provided, single submitter. Criteria: Myriad Autosomal Dominant, Autosomal Recessive and X-Linked Classification Criteria (2023). Collection method: clinical testing. Allele origin: unknown.
Comment: This variant is considered benign. This variant is a silent/synonymous amino acid change and it is not expected to impact splicing.